The following is an entry in ClinVar:

ClinVar aggregate classification (germline): Uncertain significance. Review status: criteria provided, multiple submitters, no conflicts (2 of 4 stars). 2 submissions from 2 submitters: Uncertain significance (2). Last evaluated 2018-01-10.

Conditions:
Intellectual developmental disorder, X-linked 30. Also called: MENTAL RETARDATION, X-LINKED 47; Intellectual disability, X-linked 30. Identifiers: Orphanet 777, MedGen C0796237, MONDO:0010361, OMIM 300558.

Submissions (2):

Baylor Genetics
Classification: Uncertain significance for Intellectual developmental disorder, X-linked 30. Last evaluated: 2018-01-10. Review status: criteria provided, single submitter. Criteria: ACMG Guidelines, 2015. Collection method: clinical testing. Allele origin: maternal. Affected: yes.
Comment: This variant was determined to be of uncertain significance according to ACMG Guidelines, 2015 [PMID:25741868].

Eurofins Ntd Llc (ga)
Classification: Uncertain significance. Last evaluated: 2016-08-15. Review status: criteria provided, single submitter. Criteria: EGL Classification Definitions 2015. Collection method: clinical testing. Allele origin: germline. Observed: 1 variant allele, 1 hemizygote.

NM_002578.5(PAK3):c.786G>A (p.Gly262=)

Gene: PAK3 (p21 (RAC1) activated kinase 3; plus strand). Cytogenetic location: Xq23.
Variant type: single nucleotide variant.
Coding change: c.786G>A on transcript NM_002578.5 (MANE Select); coding-DNA position 786, G replaced by A.
Protein change: p.Gly262=; no amino-acid change (glycine 262 retained).
Molecular consequence: synonymous variant. On other transcripts: non-coding transcript variant (2).
Genome position (GRCh38, 1-based): chrX:111,173,037, G>A. VCF-style: chrX-111173037-G-A. GRCh37 (hg19) VCF-style: chrX-110416265-G-A.
Other names: c.786G>A, p.Gly262= (NM_001324330.2, NM_001324331.2, NM_001324332.2 and 5 more transcripts); c.831G>A, p.Gly277= (NM_001324333.2, NM_001128173.3, NM_001324327.2 and 2 more transcripts); c.894G>A, p.Gly298= (NM_001128168.3); c.849G>A, p.Gly283= (NM_001128172.2).
Identifiers: ClinVar variation 289750 (VCV000289750.6), dbSNP rs886044251, ClinGen allele CA10606534.